The following is an entry in ClinVar:

NM_032383.5(HPS3):c.2208_2209del (p.Gln737fs)

Gene: HPS3 (HPS3 biogenesis of lysosomal organelles complex 2 subunit 1; plus strand). Cytogenetic location: 3q24.
Variant type: Deletion.
Coding change: c.2208_2209del on transcript NM_032383.5 (MANE Select); coding-DNA positions 2208 to 2209, 2 bases deleted (TC; older notation c.2208_2209delTC).
Protein change: p.Gln737fs; shifts the reading frame from glutamine 737.
Molecular consequence: frameshift variant.
Genome position (GRCh38, 1-based): chr3:149,162,249-149,162,250, TC deleted; deleting any 2 consecutive bases within chr3:149,162,248-149,162,250 gives the same sequence; the c. name uses the placement nearest the transcript's 3' end. VCF-style (leftmost placement, unchanged base first): chr3-149162247-ACT-A. GRCh37 (hg19) VCF-style: chr3-148880034-ACT-A.
Other names: c.1713_1714del, p.Gln572fs (NM_001308258.2); short protein forms Q737fs, Q572fs.
Identifiers: ClinVar variation 956903 (VCV000956903.17), dbSNP rs745457191, ClinGen allele CA2660259.
Genomic context (GRCh38, chr3:149,162,247, plus strand): 5'-TTGATTCAACAGAGAAAGGGACAGATTGTTCCAACCGAGCTTGCACTTCACTTGAAGGAA[ACT>A]CAGCCTGGATTGCTTGTGGCTTCAGTTCTGGGCTTGCAGAAGAACAACAAAATTGGAATT-3'

ClinVar aggregate classification (germline): Pathogenic. Review status: criteria provided, multiple submitters, no conflicts (2 of 4 stars). 7 submissions from 7 submitters: Pathogenic (6). 1 of the submissions does not count toward it. Last evaluated 2025-11-23.

Conditions:
Hermansky-Pudlak syndrome (HPS). Also called: ALBINISM WITH HEMORRHAGIC DIATHESIS AND PIGMENTED RETICULOENDOTHELIAL CELLS. Identifiers: Orphanet 79430, MedGen C0079504, MONDO:0019312.
Hermansky-Pudlak syndrome 3 (HPS3). Identifiers: Orphanet 231512, Orphanet 79430, MedGen C3888001, MONDO:0013555, OMIM 614072.

Submissions (7):

Labcorp Genetics (formerly Invitae), Labcorp
Classification: Pathogenic. Last evaluated: 2025-11-23. Review status: criteria provided, single submitter. Criteria: Invitae Variant Classification Sherloc (09022015). Collection method: clinical testing. Allele origin: germline.
Comment: This sequence change creates a premature translational stop signal (p.Gln737Alafs*20) in the HPS3 gene. It is expected to result in an absent or disrupted protein product. Loss-of-function variants in HPS3 are known to be pathogenic (PMID: 11590544). This variant is present in population databases (rs745457191, gnomAD 0.02%). This premature translational stop signal has been observed in individual(s) with Hermansky-Pudlak syndrome (PMID: 27593200). In at least one individual the data is consistent with being in trans (on the opposite chromosome) from a pathogenic variant. ClinVar contains an entry for this variant (Variation ID: 956903). For these reasons, this variant has been classified as Pathogenic.

Myriad Genetics, Inc.
Classification: Pathogenic for Hermansky-Pudlak syndrome 3. Last evaluated: 2024-05-14. Review status: criteria provided, single submitter. Criteria: Myriad Autosomal Dominant, Autosomal Recessive and X-Linked Classification Criteria (2023). Collection method: clinical testing. Allele origin: unknown.
Comment: NM_032383.3(HPS3):c.2208_2209delTC(Q737Afs*20) is expected to be pathogenic in the context of Hermansky-Pudlak syndrome, HPS3-related. This variant is predicted to lead to an abnormal or absent protein product due to the creation of a premature termination codon in HPS3, a gene where loss-of-function variants are known to be pathogenic. Please note: this variant was assessed in the context of healthy population screening.

Fulgent Genetics
Classification: Pathogenic for Hermansky-Pudlak syndrome 3. Last evaluated: 2024-04-09. Review status: criteria provided, single submitter. Criteria: ACMG Guidelines, 2015. Collection method: clinical testing. Allele origin: germline.

Division of Genetic & Genomic Pathology, Hong Kong Children's Hospital
Classification: Pathogenic for Hermansky-Pudlak syndrome. Last evaluated: 2024-03-11. Review status: criteria provided, single submitter. Criteria: ACMG Guidelines, 2015. Collection method: clinical testing. Allele origin: germline. Affected: yes.
Comment: The HPS3 c.2208_2209del variant is a 2-bp frameshift deletion located in exon 12 out of 17 exons of the HPS3 gene. It disrupts the original reading frame of the gene and is predicted to result in loss of protein function by nonsense-mediated mRNA decay. This variant is present at a very low frequency in gnomAD v4.0.0 (total 4 in 628,604 alleles). It has been reported to be pathogenic in ClinVar database (VCV000956903.10). It has been reported in two patients with Hermansky-Pudlak Syndrome, in trans with a missense variant or in homozygotes (PMID: 27593200, 36162005). For these reasons, this variant is classified as pathogenic. This variant was inherited in trans with a nonsense variant.

Baylor Genetics
Classification: Pathogenic for Hermansky-Pudlak syndrome 3. Last evaluated: 2024-02-29. Review status: criteria provided, single submitter. Criteria: ACMG Guidelines, 2015. Collection method: clinical testing. Allele origin: unknown.

Juno Genomics, Hangzhou Juno Genomics, Inc
Classification: Pathogenic for Hermansky-Pudlak syndrome 3. Review status: criteria provided, single submitter. Criteria: ACMG Guidelines, 2015. Collection method: clinical testing. Allele origin: germline. Affected: yes.
Comment: Absent from controls (or at extremely low frequency if recessive) in Genome Aggregation Database.;Null variant in a gene where loss of function (LOF) is a known mechanism of disease.;For recessive disorders, detected in trans with a pathogenic variant.;Patient's phenotype or family history is highly specific for a disease with a single genetic etiology.

Natera, Inc.
Classification: Pathogenic for Hermansky-Pudlak syndrome. Last evaluated: 2021-07-05. Review status: no assertion criteria provided. Collection method: clinical testing. Allele origin: germline. Not counted in ClinVar's aggregate classification.

Literature cited by the submitters: PubMed 11590544 (cited by Labcorp Genetics (formerly Invitae), Labcorp); PubMed 27593200 (cited by Labcorp Genetics (formerly Invitae), Labcorp and Division of Genetic & Genomic Pathology, Hong Kong Children's Hospital); PubMed 36162005 (cited by Division of Genetic & Genomic Pathology, Hong Kong Children's Hospital).